The following is an entry in ClinVar:

NM_000321.3(RB1):c.1450_1451del (p.Met484fs)

Gene: RB1 (RB transcriptional corepressor 1; plus strand). Cytogenetic location: 13q14.2.
Variant type: Microsatellite.
Coding change: c.1450_1451del on transcript NM_000321.3 (MANE Select); coding-DNA positions 1450 to 1451, 2 bases deleted (AT; older notation c.1450_1451delAT).
Protein change: p.Met484fs; shifts the reading frame from methionine 484.
Molecular consequence: frameshift variant.
Genome position (GRCh38, 1-based): chr13:48,380,193-48,380,194, AT deleted; deleting any 2 consecutive bases within chr13:48,380,191-48,380,194 gives the same sequence; the c. name uses the placement nearest the transcript's 3' end. VCF-style (leftmost placement, unchanged base first): chr13-48380190-CAT-C. GRCh37 (hg19) VCF-style: chr13-48954326-CAT-C.
Other names: c.1450_1451delAT (NM_000321.2); short protein forms M484fs.
Identifiers: ClinVar variation 855427 (VCV000855427.12), dbSNP rs1948522792, ClinGen allele CA645578668.
Genomic context (GRCh38, chr13:48,380,190, plus strand): 5'-GTAAGTATTTTATAATCTTTTTTTTTTTCCTTTAGCAAACTTCTGAATGACAACATTTTT[CAT>C]ATGTCTTTATTGGCGTGCGCTCTTGAGGTTGTAATGGCCACATATAGCAGTAAGTTAAAT-3'

ClinVar aggregate classification (germline): Pathogenic. Review status: criteria provided, multiple submitters, no conflicts (2 of 4 stars). 6 submissions from 6 submitters: Pathogenic (6). Last evaluated 2026-05-29.

Conditions:
Hereditary cancer-predisposing syndrome. Also called: Hereditary Cancer Syndrome; Neoplastic Syndromes, Hereditary; Hereditary neoplastic syndrome; Tumor predisposition. Identifiers: Orphanet 140162, MedGen C0027672, MeSH D009386, MONDO:0015356.
Retinoblastoma (RB1). Also called: RETINOBLASTOMA, SOMATIC. Identifiers: Orphanet 790, MedGen C0035335, MeSH D012175, MONDO:0008380, OMIM 180200, HP:0009919. Disease mechanism: loss of function. Inheritance: Both sporadic and heritable forms are tested..

Submissions (6):

Diller/Parad Lab, Dana-Farber/Harvard Cancer Center
Classification: Pathogenic for Retinoblastoma. Last evaluated: 2026-05-29. Review status: criteria provided, single submitter. Criteria: ACMG Guidelines, 2015. Collection method: research. Allele origin: germline. Affected: yes.
Comment: It has been classified as Pathogenic using Richards et al (PMID:25741868) based on the following evidence codes: PM2, PVS1, PP5.

Labcorp Genetics (formerly Invitae), Labcorp
Classification: Pathogenic for Retinoblastoma. Last evaluated: 2024-08-08. Review status: criteria provided, single submitter. Criteria: Invitae Variant Classification Sherloc (09022015). Collection method: clinical testing. Allele origin: germline.
Comment: This sequence change creates a premature translational stop signal (p.Met484Valfs*8) in the RB1 gene. It is expected to result in an absent or disrupted protein product. Loss-of-function variants in RB1 are known to be pathogenic (PMID: 17096365). This variant is not present in population databases (gnomAD no frequency). This premature translational stop signal has been observed in individuals with retinoblastoma (PMID: 8651278, 27021801, 29568217). ClinVar contains an entry for this variant (Variation ID: 855427). For these reasons, this variant has been classified as Pathogenic.

Genetic Diagnostic Laboratory, University of Pennsylvania School of Medicine
Classification: Pathogenic for Retinoblastoma. Last evaluated: 2024-05-20. Review status: criteria provided, single submitter. Criteria: ACMG Guidelines, 2015. Collection method: clinical testing. Allele origin: germline. Affected: yes. Observed: 3 variant alleles.
Comment: Case and Pedigree Information: BILATERAL CASES:1, UNILATERAL CASES:2, TOTAL CASES:3, PEDIGREES:3. ACMG Codes Applied:PVS1, PM2, PS4SUP

Genomic Medicine Center of Excellence, King Faisal Specialist Hospital and Research Centre
Classification: Pathogenic for Retinoblastoma. Last evaluated: 2023-05-08. Review status: criteria provided, single submitter. Criteria: ACMG Guidelines, 2015. Collection method: research. Allele origin: germline. Affected: yes.

Ambry Genetics
Classification: Pathogenic for Hereditary cancer-predisposing syndrome. Last evaluated: 2022-09-01. Review status: criteria provided, single submitter. Criteria: Ambry Variant Classification Scheme 2023. Collection method: clinical testing. Allele origin: germline.
Comment: The c.1450_1451delAT pathogenic mutation, located in coding exon 16 of the RB1 gene, results from a deletion of two nucleotides at nucleotide positions 1450 to 1451, causing a translational frameshift with a predicted alternate stop codon (p.M484Vfs*8). This alteration has been reported in numerous patients with unilateral or bilateral retinoblastoma (Sagi M et al. Fam Cancer, 2015 Sep;14:471-80; Ossand&oacute;n D et al. Arch Soc Esp Oftalmol, 2016 Aug;91:379-84; Tomar S et al. PLoS One, 2017 Jun;12:e0178776; Nguyen HH et al. Mol Vis, 2018 Mar;24:231-238; Yousef YA et al. Fam Cancer, 2018 04;17:261-268; Castela G et al. Sci Rep, 2022 03;12:4378). In one study, this alteration was identified as de novo in a patient with bilateral retinoblastoma (Lan X et al. Front Genet, 2020 Mar;11:142). This variant is considered to be rare based on population cohorts in the Genome Aggregation Database (gnomAD). This alteration is expected to result in loss of function by premature protein truncation or nonsense-mediated mRNA decay. As such, this alteration is interpreted as a disease-causing mutation.

Juno Genomics, Hangzhou Juno Genomics, Inc
Classification: Pathogenic for Retinoblastoma. Review status: criteria provided, single submitter. Criteria: ACMG Guidelines, 2015. Collection method: clinical testing. Allele origin: germline. Affected: yes.
Comment: Absent from controls (or at extremely low frequency if recessive) in Genome Aggregation Database, Exome Sequencing Project, 1000 Genomes Project, or Exome Aggregation Consortium.;Null variant in a gene where loss of function (LOF) is a known mechanism of disease.;The prevalence of the variant in affected individuals is significantly increased compared to the prevalence in controls.;Assumed de novo, but without confirmation of paternity and maternity.;Patient's phenotype or family history is highly specific for a disease with a single genetic etiology.

Literature cited by the submitters: PubMed 17096365 (cited by Labcorp Genetics (formerly Invitae), Labcorp); PubMed 8651278 (cited by Labcorp Genetics (formerly Invitae), Labcorp); PubMed 27021801 (cited by Labcorp Genetics (formerly Invitae), Labcorp and Ambry Genetics); PubMed 29568217 (cited by Labcorp Genetics (formerly Invitae), Labcorp and Ambry Genetics); PubMed 25754945 (cited by Ambry Genetics); PubMed 28575107 (cited by Ambry Genetics); PubMed 28803391 (cited by Ambry Genetics); PubMed 32218800 (cited by Ambry Genetics); PubMed 35288594 (cited by Ambry Genetics).